The following is an entry in ClinVar:

NM_013275.6(ANKRD11):c.5096G>A (p.Arg1699Gln)

Gene: ANKRD11 (ankyrin repeat domain 11; minus strand). Cytogenetic location: 16q24.3.
Variant type: single nucleotide variant.
Coding change: c.5096G>A on transcript NM_013275.6 (MANE Select); coding-DNA position 5096, G replaced by A.
Protein change: p.Arg1699Gln; replaces arginine 1699 with glutamine.
Molecular consequence: missense variant.
Genome position (GRCh38, 1-based): chr16:89,281,446, C>T on the plus strand (G>A on the coding strand, the complement: ANKRD11 is on the minus strand). VCF-style: chr16-89281446-C-T. GRCh37 (hg19) VCF-style: chr16-89347854-C-T.
Other names: c.5096G>A, p.Arg1699Gln (NM_001256182.2, NM_001256183.2); c.5096G>A (NM_013275.4); short protein forms R1699Q.
Identifiers: ClinVar variation 2170472 (VCV002170472.6), dbSNP rs1338087158, ClinGen allele CA397155641.
Genomic context (GRCh38, chr16:89,281,446, plus strand): 5'-ATCACCTCCTCGTAGCTGGGGCAGGATAGCACCGACGTAGGGGTGGGCACGCCAGTGGGC[C>T]GGCTCTGGTCAGGCCTGGGGGACGCAGGCAGGACCTCTTTCATGTGAGGGCCTGCCAGCC-3'
Protein context (NP_037407.4, residues 1689-1709): LPASPRPDQS[Arg1699Gln]PTGVPTPTSV

ClinVar aggregate classification (germline): Uncertain significance. Review status: criteria provided, multiple submitters, no conflicts (2 of 4 stars). 3 submissions from 3 submitters: Uncertain significance (3). Last evaluated 2026-02-04.

Conditions:
Inborn genetic diseases. Identifiers: MedGen C0950123, MeSH D030342.
KBG syndrome (KBGS). Also called: ANKRD11-Related KBG Syndrome. Identifiers: Orphanet 2332, MedGen C0220687, MONDO:0007846, OMIM 148050.

Allele frequency attached by ClinVar (database versions not stated): gnomAD exomes 0.00001.
gnomAD v4.1: 3 of 1,613,446 alleles (0.00019%); highest among the groups gnomAD compares: Middle Eastern, 0.033%; no homozygotes.

Submissions (3):

Women's Health and Genetics/Laboratory Corporation of America, LabCorp
Classification: Uncertain significance. Last evaluated: 2026-02-04. Review status: criteria provided, single submitter. Criteria: LabCorp Variant Classification Summary - May 2015. Collection method: clinical testing. Allele origin: germline.
Comment: Variant summary: ANKRD11 c.5096G>A (p.Arg1699Gln) results in a conservative amino acid change in the encoded protein sequence. Algorithms developed to predict the effect of missense changes on protein structure and function are either unavailable or do not agree on the potential impact of this missense change. The variant allele was found at a frequency of 8e-06 in 250384 control chromosomes. The available data on variant occurrences in the general population are insufficient to allow any conclusion about variant significance. To our knowledge, no occurrence of c.5096G>A in individuals affected with ANKRD11-related conditions and no experimental evidence demonstrating its impact on protein function have been reported. ClinVar contains an entry for this variant (Variation ID: 2170472). Based on the evidence outlined above, the variant was classified as uncertain significance.

Ambry Genetics
Classification: Uncertain significance for Inborn genetic diseases. Last evaluated: 2025-08-25. Review status: criteria provided, single submitter. Criteria: Ambry Variant Classification Scheme 2023. Collection method: clinical testing. Allele origin: germline.

Labcorp Genetics (formerly Invitae), Labcorp
Classification: Uncertain significance for KBG syndrome. Last evaluated: 2022-07-10. Review status: criteria provided, single submitter. Criteria: Invitae Variant Classification Sherloc (09022015). Collection method: clinical testing. Allele origin: germline.
Comment: This sequence change replaces arginine, which is basic and polar, with glutamine, which is neutral and polar, at codon 1699 of the ANKRD11 protein (p.Arg1699Gln). This variant is present in population databases (no rsID available, gnomAD 0.004%). In summary, the available evidence is currently insufficient to determine the role of this variant in disease. Therefore, it has been classified as a Variant of Uncertain Significance. Advanced modeling of protein sequence and biophysical properties (such as structural, functional, and spatial information, amino acid conservation, physicochemical variation, residue mobility, and thermodynamic stability) performed at Invitae indicates that this missense variant is not expected to disrupt ANKRD11 protein function. This variant has not been reported in the literature in individuals affected with ANKRD11-related conditions.